The following is an entry in ClinVar:

ClinVar aggregate classification (germline): Uncertain significance (1 of 4 stars; one submission).

Conditions:
Congenital muscular hypertrophy-cerebral syndrome (CDLS2). Also called: SMC1A-Related Cornelia de Lange Syndrome; Cornelia de Lange syndrome 2. Identifiers: Orphanet 199, MedGen C1802395, MONDO:0010370, OMIM 300590.

Submission:

Labcorp Genetics (formerly Invitae), Labcorp
Classification: Uncertain significance for Congenital muscular hypertrophy-cerebral syndrome. Last evaluated: 2022-07-25. Review status: criteria provided, single submitter. Criteria: Invitae Variant Classification Sherloc (09022015). Collection method: clinical testing. Allele origin: germline.
Comment: This variant is not present in population databases (gnomAD no frequency). This sequence change replaces lysine, which is basic and polar, with asparagine, which is neutral and polar, at codon 401 of the SMC1A protein (p.Lys401Asn). This variant has not been reported in the literature in individuals affected with SMC1A-related conditions. In summary, the available evidence is currently insufficient to determine the role of this variant in disease. Therefore, it has been classified as a Variant of Uncertain Significance. Algorithms developed to predict the effect of missense changes on protein structure and function are either unavailable or do not agree on the potential impact of this missense change (SIFT: "Deleterious"; PolyPhen-2: "Probably Damaging"; Align-GVGD: "Class C0"). ClinVar contains an entry for this variant (Variation ID: 958580).

NM_006306.4(SMC1A):c.1203A>C (p.Lys401Asn)

Gene: SMC1A (structural maintenance of chromosomes 1A; minus strand). Cytogenetic location: Xp11.22.
Variant type: single nucleotide variant.
Coding change: c.1203A>C on transcript NM_006306.4 (MANE Select); coding-DNA position 1203, A replaced by C.
Protein change: p.Lys401Asn; replaces lysine 401 with asparagine.
Molecular consequence: missense variant.
Genome position (GRCh38, 1-based): chrX:53,411,812, T>G on the plus strand (A>C on the coding strand, the complement: SMC1A is on the minus strand). VCF-style: chrX-53411812-T-G. GRCh37 (hg19) VCF-style: chrX-53438762-T-G.
Other names: c.1137A>C, p.Lys379Asn (NM_001281463.1); short protein forms K379N, K401N.
Identifiers: ClinVar variation 958580 (VCV000958580.9), dbSNP rs2075714119, ClinGen allele CA413256552.
Genomic context (GRCh38, chrX:53,411,812, plus strand): 5'-ATAGCCCACCTCTGTCTCTACTTTCTTCCGTTCTTCCAGATCCAGACGGTCCTGGTCAGC[T>G]TTCTGGTCTCGATTGAATTTCTCCAGCTCCTGGGCCAGGGTAGCTGCTCTCTTGCTGGCT-3'
Protein context (NP_006297.2, residues 391-411): QELEKFNRDQ[Lys401Asn]ADQDRLDLEE